The following is an entry in ClinVar:

ClinVar aggregate classification (germline): Uncertain significance (1 of 4 stars; one submission).

Submission:

GeneDx
Classification: Uncertain significance. Last evaluated: 2024-08-30. Review status: criteria provided, single submitter. Criteria: GeneDx Variant Classification Process June 2021. Collection method: clinical testing. Allele origin: germline. Affected: yes.
Comment: Not observed at significant frequency in large population cohorts (gnomAD); In silico analysis indicates that this missense variant does not alter protein structure/function; Has not been previously published as pathogenic or benign to our knowledge

NM_000381.4(MID1):c.1474T>C (p.Ser492Pro)

Gene: MID1 (midline 1; minus strand). Cytogenetic location: Xp22.2.
Variant type: single nucleotide variant.
Coding change: c.1474T>C on transcript NM_000381.4 (MANE Select); coding-DNA position 1474, T replaced by C.
Protein change: p.Ser492Pro; replaces serine 492 with proline.
Molecular consequence: missense variant.
Genome position (GRCh38, 1-based): chrX:10,455,051, A>G on the plus strand (T>C on the coding strand, the complement: MID1 is on the minus strand). VCF-style: chrX-10455051-A-G. GRCh37 (hg19) VCF-style: chrX-10423091-A-G.
Other names: c.1474T>C, p.Ser492Pro (NM_001098624.2, NM_001193277.1, NM_001347733.2 and 1 more transcripts); c.1360T>C, p.Ser454Pro (NM_033289.2); short protein forms S454P, S492P.
Identifiers: ClinVar variation 3765947 (VCV003765947.1).
Genomic context (GRCh38, chrX:10,455,051, plus strand): 5'-ATGACTCATCACGTTCTACTGTCAAGTTATCATGGGACACCTTCAGTTTTCGATGAGCAG[A>G]TTTGGGATCCAGTTTAAATGGTTGGCCTGAAAACAAATTCACAAAACAGAAAAAGGAAGA-3'
Protein context (NP_000372.1, residues 482-502): NSQPFKLDPK[Ser492Pro]AHRKLKVSHD